The following is an entry in ClinVar:

ClinVar aggregate classification (germline): Likely benign (1 of 4 stars; one submission).

gnomAD v4.1: 326 of 1,587,758 alleles (0.021%); highest among the groups gnomAD compares: African/African-American, 0.36%; 5 homozygotes.

Submission:

CeGaT Center for Human Genetics Tuebingen
Classification: Likely benign. Last evaluated: 2026-04-01. Review status: criteria provided, single submitter. Criteria: CeGaT Center For Human Genetics Tuebingen Variant Classification Criteria Version 2. Collection method: clinical testing. Allele origin: germline. Affected: yes. Observed: 1 variant allele.
Comment: AHNAK2: BP4, BP7

NM_138420.4(AHNAK2):c.5460C>T (p.Asp1820=)

Gene: AHNAK2 (AHNAK nucleoprotein 2; minus strand). Cytogenetic location: 14q32.33.
Variant type: single nucleotide variant.
Coding change: c.5460C>T on transcript NM_138420.4 (MANE Select); coding-DNA position 5460, C replaced by T.
Protein change: p.Asp1820=; no amino-acid change (aspartic acid 1820 retained).
Molecular consequence: synonymous variant.
Genome position (GRCh38, 1-based): chr14:104,949,991, G>A on the plus strand (C>T on the coding strand, the complement: AHNAK2 is on the minus strand). VCF-style: chr14-104949991-G-A. GRCh37 (hg19) VCF-style: chr14-105416328-G-A.
Other names: c.5160C>T, p.Asp1720= (NM_001350929.2).
Identifiers: ClinVar variation 4872242 (VCV004872242.2).